The following is an entry in ClinVar:

NM_019892.6(INPP5E):c.1658_1659del (p.Ser553fs)

Gene: INPP5E (inositol polyphosphate-5-phosphatase E; minus strand). Cytogenetic location: 9q34.3.
Variant type: Deletion.
Coding change: c.1658_1659del on transcript NM_019892.6 (MANE Select); coding-DNA positions 1658 to 1659, 2 bases deleted (CA; older notation c.1658_1659delCA).
Protein change: p.Ser553fs; shifts the reading frame from serine 553.
Molecular consequence: frameshift variant.
Genome position (GRCh38, 1-based): chr9:136,431,008-136,431,009, TG deleted on the plus strand (CA on the coding strand, the reverse complement: INPP5E is on the minus strand). VCF-style (leftmost placement, unchanged base first): chr9-136431007-ATG-A. GRCh37 (hg19) VCF-style: chr9-139325459-ATG-A.
Other names: c.1655_1656del, p.Ser552fs (NM_001318502.2); short protein forms S553fs, S552fs.
Identifiers: ClinVar variation 4995939 (VCV004995939.1).
Genomic context (GRCh38, chr9:136,431,007, plus strand): 5'-GTGGGAGATGCCTGCCCTGGAAGCACTCTGCACCGCAGCGGTGGGCAGGCCTCACCGTGT[ATG>A]AGGGCGTCCTCTGCTTGGAGGTGCTGTCGTACGTGTCCTTCCCGATGTCAAACTTGTATG-3'

ClinVar aggregate classification (germline): Likely pathogenic (1 of 4 stars; one submission).

Conditions:
INPP5E-related disorder. Also called: INPP5E-related condition.

Submission:

PreventionGenetics, part of Exact Sciences
Classification: Likely pathogenic for INPP5E-related condition. Last evaluated: 2026-09-09. Review status: criteria provided, single submitter. Criteria: ACMG Guidelines, 2015. Collection method: clinical testing. Allele origin: germline.
Comment: The INPP5E c.1658_1659delCA variant is predicted to result in a frameshift and premature protein termination (p.Ser553Leufs*14). To our knowledge, this variant has not been reported in the literature or in a large population database (gnomAD), indicating this variant is rare. Frameshift variants in INPP5E are expected to be pathogenic. This variant is interpreted as likely pathogenic.